The following is an entry in ClinVar:

NM_003995.4(NPR2):c.2648T>G (p.Val883Gly)

Gene: NPR2 (natriuretic peptide receptor 2; plus strand). Cytogenetic location: 9p13.3.
Variant type: single nucleotide variant.
Coding change: c.2648T>G on transcript NM_003995.4 (MANE Select); coding-DNA position 2648, T replaced by G.
Protein change: p.Val883Gly; replaces valine 883 with glycine.
Molecular consequence: missense variant.
Genome position (GRCh38, 1-based): chr9:35,807,334, T>G. VCF-style: chr9-35807334-T-G. GRCh37 (hg19) VCF-style: chr9-35807331-T-G.
Other names: c.2657T>G, p.Val886Gly (NM_001378923.1); short protein forms V883G, V886G.
Identifiers: ClinVar variation 1333689 (VCV001333689.1), dbSNP rs2132095372, ClinGen allele CA373381703.

ClinVar aggregate classification (germline): Uncertain significance (1 of 4 stars; one submission).

Conditions:
Acromesomelic dysplasia 1, Maroteaux type (AMD1). Also called: ST. HELENA DYSPLASIA; ACROMESOMELIC DYSPLASIA 1. Identifiers: Orphanet 40, MedGen C1864356, MONDO:0011275, OMIM 602875.

Submission:

3billion
Classification: Uncertain significance for Acromesomelic dysplasia 1, Maroteaux type. Last evaluated: 2022-01-03. Review status: criteria provided, single submitter. Criteria: ACMG Guidelines, 2015. Collection method: clinical testing. Allele origin: germline. Affected: yes. Observed: 1 heterozygote.
Comment: The variant is not observed in the gnomAD v2.1.1 dataset (PM2_M). A different missense change at the same codon has been reported to be associated with NPR2 related disorder (ClinVar ID: VCV000143053, PM5_P). In silico tool predictions suggest damaging effect of the variant on gene or gene product (REVEL: 0.853, PP3_P). Therefore, this variant is classified as uncertain significance according to the recommendation of ACMG/AMP guideline.